The following is an entry in ClinVar:

NM_006270.5(RRAS):c.53G>C (p.Gly18Ala)

Gene: RRAS (RAS related; minus strand). Cytogenetic location: 19q13.33.
Variant type: single nucleotide variant.
Coding change: c.53G>C on transcript NM_006270.5 (MANE Select); coding-DNA position 53, G replaced by C.
Protein change: p.Gly18Ala; replaces glycine 18 with alanine.
Molecular consequence: missense variant.
Genome position (GRCh38, 1-based): chr19:49,640,046, C>G on the plus strand (G>C on the coding strand, the complement: RRAS is on the minus strand). VCF-style: chr19-49640046-C-G. GRCh37 (hg19) VCF-style: chr19-50143303-C-G.
Other names: short protein forms G18A.
Identifiers: ClinVar variation 3646482 (VCV003646482.2).

ClinVar aggregate classification (germline): Uncertain significance (1 of 4 stars; one submission).

Conditions:
Noonan syndrome (NS). Also called: Noonan's syndrome. Identifiers: Orphanet 648, MedGen C0028326, MeSH D009634, MONDO:0018997. Disease mechanism: gain of function.

Submission:

Labcorp Genetics (formerly Invitae), Labcorp
Classification: Uncertain significance for Noonan syndrome. Last evaluated: 2024-03-17. Review status: criteria provided, single submitter. Criteria: Invitae Variant Classification Sherloc (09022015). Collection method: clinical testing. Allele origin: germline.
Comment: This sequence change replaces glycine, which is neutral and non-polar, with alanine, which is neutral and non-polar, at codon 18 of the RRAS protein (p.Gly18Ala). This variant is not present in population databases (gnomAD no frequency). This variant has not been reported in the literature in individuals affected with RRAS-related conditions. An algorithm developed to predict the effect of missense changes on protein structure and function (PolyPhen-2) suggests that this variant is likely to be tolerated. In summary, the available evidence is currently insufficient to determine the role of this variant in disease. Therefore, it has been classified as a Variant of Uncertain Significance.